The following is an entry in ClinVar:

ClinVar aggregate classification (germline): Benign/Likely benign. Review status: criteria provided, multiple submitters, no conflicts (2 of 4 stars). 8 submissions from 8 submitters: Benign (3); Likely benign (2). 3 of the submissions do not count toward it. Last evaluated 2026-09-01.

Conditions:
Inborn genetic diseases. Identifiers: MedGen C0950123, MeSH D030342.

Allele frequency attached by ClinVar (database versions not stated): 1000 Genomes Project 30x 0.00031; 1000 Genomes Project 0.00040; gnomAD exomes 0.00206 and 0.00336; gnomAD 0.00208 and 0.00221; TOPMed 0.00212; ExAC 0.00262; ESP Exome Variant Server 0.00289.

Submissions (8):

CeGaT Center for Human Genetics Tuebingen
Classification: Benign. Last evaluated: 2026-09-01. Review status: criteria provided, single submitter. Criteria: CeGaT Center For Human Genetics Tuebingen Variant Classification Criteria Version 2. Collection method: clinical testing. Allele origin: germline. Affected: yes. Observed: 25 variant alleles.
Comment: SHANK3: BP4, BP7, BS1, BS2

Blueprint Genetics
Classification: Likely benign. Last evaluated: 2024-10-28. Review status: criteria provided, single submitter. Criteria: ACMG Guidelines, 2015. Collection method: clinical testing. Allele origin: germline.

GeneDx
Classification: Benign. Last evaluated: 2021-03-19. Review status: criteria provided, single submitter. Criteria: GeneDx Variant Classification Process June 2021. Collection method: clinical testing. Allele origin: germline. Affected: yes.

Ambry Genetics
Classification: Likely benign for Inborn genetic diseases. Last evaluated: 2017-10-13. Review status: criteria provided, single submitter. Criteria: Ambry Variant Classification Scheme 2023. Collection method: clinical testing. Allele origin: germline.

Breakthrough Genomics
Classification: Benign. Review status: criteria provided, single submitter. Criteria: ACMG Guidelines, 2015. Collection method: not provided. Allele origin: germline. Inheritance: Autosomal dominant inheritance. Affected: yes.

Clinical Genetics DNA and cytogenetics Diagnostics Lab, Erasmus MC, Erasmus Medical Center
Classification: Likely benign. Review status: no assertion criteria provided. Collection method: clinical testing. Allele origin: germline. Affected: yes. Study: VKGL Data-share Consensus. Not counted in ClinVar's aggregate classification.

Clinical Genetics, Academic Medical Center
Classification: Benign. Review status: no assertion criteria provided. Collection method: clinical testing. Allele origin: germline. Affected: yes. Study: VKGL Data-share Consensus. Not counted in ClinVar's aggregate classification.

Laboratory of Diagnostic Genome Analysis, Leiden University Medical Center (LUMC)
Classification: Likely benign. Review status: no assertion criteria provided. Collection method: clinical testing. Allele origin: germline. Affected: yes. Study: VKGL Data-share Consensus. Not counted in ClinVar's aggregate classification.

Literature cited by the submitters: PubMed 23472757 (cited by Ambry Genetics); PubMed 23495017 (cited by Ambry Genetics); PubMed 23533028 (cited by Ambry Genetics).

NM_001372044.2(SHANK3):c.4104C>T (p.Ser1368=)

Gene: SHANK3 (SH3 and multiple ankyrin repeat domains 3; plus strand). Cytogenetic location: 22q13.33.
Variant type: single nucleotide variant.
Coding change: c.4104C>T on transcript NM_001372044.2 (MANE Select); coding-DNA position 4104, C replaced by T.
Protein change: p.Ser1368=; no amino-acid change (serine 1368 retained).
Molecular consequence: synonymous variant.
Genome position (GRCh38, 1-based): chr22:50,721,712, C>T. VCF-style: chr22-50721712-C-T. GRCh37 (hg19) VCF-style: chr22-51160140-C-T.
Other names: c.3879C>T (NM_033517.1).
Identifiers: ClinVar variation 1205883 (VCV001205883.32), dbSNP rs201793890, ClinGen allele CA10326166.
Genomic context (GRCh38, chr22:50,721,712, plus strand): 5'-AGAGGAAGAGCCAGAGCTGGTGTTTGCTGTGAACCTGCCACCTGCCCAGCTGTCGTCCAG[C>T]GATGAGGAGACCAGGGAGGAGCTGGCCCGAATTGGGTTGGTGCCACCCCCTGAAGAGTTT-3'
Protein context (NP_001358973.1, residues 1358-1378): VNLPPAQLSS[Ser1368=]DEETREELAR